The following is an entry in ClinVar:

ClinVar aggregate classification (germline): Likely benign. Review status: criteria provided, multiple submitters, no conflicts (2 of 4 stars). 3 submissions from 3 submitters: Likely benign (3). Last evaluated 2025-05-27.

Conditions:
Saldino-Mainzer syndrome (SRTD9). Also called: Renal dysplasia, retinal pigmentary dystrophy, cerebellar ataxia and skeletal dysplasia; short-rib thoracic dysplasia 9 with or without polydactyly; CONORENAL SYNDROME; SHORT-RIB THORACIC DYSPLASIA 9 WITHOUT POLYDACTYLY. Identifiers: Orphanet 140969, MedGen C1849437, MONDO:0009964, OMIM 266920.

Allele frequency attached by ClinVar (database versions not stated): gnomAD 0.00003; gnomAD exomes 0.00003; TOPMed 0.00003; ExAC 0.00010.
gnomAD v4.1: 22 of 1,587,984 alleles (0.0014%); highest among the groups gnomAD compares: Admixed American, 0.0069%; no homozygotes.

Submissions (3):

Labcorp Genetics (formerly Invitae), Labcorp
Classification: Likely benign for Saldino-Mainzer syndrome. Last evaluated: 2025-05-27. Review status: criteria provided, single submitter. Criteria: Invitae Variant Classification Sherloc (09022015). Collection method: clinical testing. Allele origin: germline.

Blueprint Genetics
Classification: Likely benign. Last evaluated: 2023-12-27. Review status: criteria provided, single submitter. Criteria: ACMG Guidelines, 2015. Collection method: clinical testing. Allele origin: germline.

CeGaT Center for Human Genetics Tuebingen
Classification: Likely benign. Last evaluated: 2023-02-01. Review status: criteria provided, single submitter. Criteria: CeGaT Center For Human Genetics Tuebingen Variant Classification Criteria Version 2. Collection method: clinical testing. Allele origin: germline. Affected: yes. Observed: 1 variant allele.
Comment: IFT140: BP4, BP7

NM_014714.4(IFT140):c.3645C>T (p.Ala1215=)

Gene: IFT140 (intraflagellar transport 140; minus strand). Cytogenetic location: 16p13.3.
Variant type: single nucleotide variant.
Coding change: c.3645C>T on transcript NM_014714.4 (MANE Select); coding-DNA position 3645, C replaced by T.
Protein change: p.Ala1215=; no amino-acid change (alanine 1215 retained).
Molecular consequence: synonymous variant.
Genome position (GRCh38, 1-based): chr16:1,520,617, G>A on the plus strand (C>T on the coding strand, the complement: IFT140 is on the minus strand). VCF-style: chr16-1520617-G-A. GRCh37 (hg19) VCF-style: chr16-1570618-G-A.
Identifiers: ClinVar variation 1110504 (VCV001110504.33), dbSNP rs778438102, ClinGen allele CA7813092.
Genomic context (GRCh38, chr16:1,520,617, plus strand): 5'-AACTGCCTGTGAGGTAGCCGCGGGCTGGGGCCGGGAGAGGCTCACCTTCAGCTTGTTGCC[G>A]GCCTGCGTGTACTTCTTGGTGGCCAGGTGGTAGCTGCCCTGGCGCATGCAGCAGTCTGCT-3'
Protein context (NP_055529.2, residues 1205-1225): YHLATKKYTQ[Ala1215=]GNKLKAMRAL